The following is an entry in ClinVar:

ClinVar aggregate classification (germline): Uncertain significance (1 of 4 stars; one submission).

Submission:

Ambry Genetics
Classification: Uncertain significance. Last evaluated: 2021-08-26. Review status: criteria provided, single submitter. Criteria: Ambry Variant Classification Scheme 2023. Collection method: clinical testing. Allele origin: germline.
Comment: The p.V232L variant (also known as c.694G>C), located in coding exon 7 of the STAP1 gene, results from a G to C substitution at nucleotide position 694. The valine at codon 232 is replaced by leucine, an amino acid with highly similar properties. This amino acid position is conserved. In addition, this alteration is predicted to be tolerated by in silico analysis. Since supporting evidence is limited at this time, the clinical significance of this alteration remains unclear.

NM_012108.4(STAP1):c.694G>C (p.Val232Leu)

Gene: STAP1 (signal transducing adaptor family member 1; plus strand). Cytogenetic location: 4q13.2.
Variant type: single nucleotide variant.
Coding change: c.694G>C on transcript NM_012108.4 (MANE Select); coding-DNA position 694, G replaced by C.
Protein change: p.Val232Leu; replaces valine 232 with leucine.
Molecular consequence: missense variant.
Genome position (GRCh38, 1-based): chr4:67,590,918, G>C. VCF-style: chr4-67590918-G-C. GRCh37 (hg19) VCF-style: chr4-68456636-G-C.
Other names: c.694G>C, p.Val232Leu (NM_001317769.2); short protein forms V232L.
Identifiers: ClinVar variation 1756290 (VCV001756290.2), dbSNP rs766397325, ClinGen allele CA357055257.
Genomic context (GRCh38, chr4:67,590,918, plus strand): 5'-GAGACTAACCATTTGTTTCATTGTAGCATTCCAAGAATCAAGCACTACAAAGTGATGAGC[G>C]TAGGACAAAACTACACTATTGAACTGGAAAAACCTGTAAGTAACTATTTTTGTTGTTGTT-3'
Protein context (NP_036240.1, residues 222-242): PRIKHYKVMS[Val232Leu]GQNYTIELEK